The following is an entry in ClinVar:

NM_001374504.1(TMPRSS6):c.2339G>A (p.Arg780Gln)

Gene: TMPRSS6 (transmembrane serine protease 6; minus strand). Cytogenetic location: 22q12.3.
Variant type: single nucleotide variant.
Coding change: c.2339G>A on transcript NM_001374504.1 (MANE Select); coding-DNA position 2339, G replaced by A.
Protein change: p.Arg780Gln; replaces arginine 780 with glutamine.
Molecular consequence: missense variant.
Genome position (GRCh38, 1-based): chr22:37,066,150, C>T on the plus strand (G>A on the coding strand, the complement: TMPRSS6 is on the minus strand). VCF-style: chr22-37066150-C-T. GRCh37 (hg19) VCF-style: chr22-37462190-C-T.
Other names: c.2405G>A, p.Arg802Gln (NM_001289000.2); c.2339G>A, p.Arg780Gln (NM_001289001.2, NM_153609.4); c.2366G>A (NM_153609.3); short protein forms R780Q, R802Q.
Identifiers: ClinVar variation 2318747 (VCV002318747.4), dbSNP rs371014130, ClinGen allele CA10215240.
Genomic context (GRCh38, chr22:37,066,150, plus strand): 5'-ACTTGCTGGATCCAGCTGATCACACCTGTGATGCGGGTGTAGACGCCGAAGTAGTTAGGC[C>T]GGCCACAGCCCAGGCCCCAGCTGACCAGCCCCGCCAGGAACCAGCGGCCACTGAGTGCCT-3'
Protein context (NP_001361433.1, residues 770-790): GLVSWGLGCG[Arg780Gln]PNYFGVYTRI

ClinVar aggregate classification (germline): Uncertain significance. Review status: criteria provided, multiple submitters, no conflicts (2 of 4 stars). 3 submissions from 3 submitters: Uncertain significance (3). Last evaluated 2026-02-05.

Conditions:
Inborn genetic diseases. Identifiers: MedGen C0950123, MeSH D030342.

Allele frequency attached by ClinVar (database versions not stated): ESP Exome Variant Server 0.00008; gnomAD exomes 0.00008; ExAC 0.00015.
gnomAD v4.1: 129 of 1,613,282 alleles (0.008%); highest among the groups gnomAD compares: East Asian, 0.056%; no homozygotes.

Submissions (3):

GeneDx
Classification: Uncertain significance. Last evaluated: 2026-02-05. Review status: criteria provided, single submitter. Criteria: GeneDx Variant Classification Process June 2021. Collection method: clinical testing. Allele origin: germline.
Comment: In silico analysis supports that this missense variant has a deleterious effect on protein structure/function; Has not been previously published as pathogenic or benign to our knowledge

Blueprint Genetics
Classification: Uncertain significance. Last evaluated: 2024-09-12. Review status: criteria provided, single submitter. Criteria: ACMG Guidelines, 2015. Collection method: clinical testing. Allele origin: germline.

Ambry Genetics
Classification: Uncertain significance for Inborn genetic diseases. Last evaluated: 2021-08-12. Review status: criteria provided, single submitter. Criteria: Ambry Variant Classification Scheme 2023. Collection method: clinical testing. Allele origin: germline.